The following is an entry in ClinVar:

NM_001370259.2(MEN1):c.*1A>T

Gene: MEN1 (menin 1; minus strand). Cytogenetic location: 11q13.1.
Variant type: single nucleotide variant.
Coding change: c.*1A>T on transcript NM_001370259.2 (MANE Select); 1 bases downstream of the stop codon, A replaced by T.
Molecular consequence: 3 prime UTR variant. On other transcripts: non-coding transcript variant (4).
Genome position (GRCh38, 1-based): chr11:64,804,333, T>A on the plus strand (A>T on the coding strand, the complement: MEN1 is on the minus strand). VCF-style: chr11-64804333-T-A. GRCh37 (hg19) VCF-style: chr11-64571805-T-A.
Other names: c.*1A>T (NM_000244.4, NM_001370251.2, NM_001370260.2 and 20 more transcripts).
Identifiers: ClinVar variation 4758142 (VCV004758142.1).

ClinVar aggregate classification (germline): Uncertain significance (1 of 4 stars; one submission).

Conditions:
Multiple endocrine neoplasia, type 1 (MEN1). Also called: Endocrine adenomatosis multiple; MEN 1; MEA I; MEN I; WERMER SYNDROME. Identifiers: Orphanet 652, MedGen C0025267, MeSH D018761, MONDO:0007540, OMIM 131100.

Submission:

Color Diagnostics, LLC DBA Color Health
Classification: Uncertain significance for Multiple endocrine neoplasia, type 1. Last evaluated: 2025-11-03. Review status: criteria provided, single submitter. Criteria: ACMG Guidelines, 2015. Collection method: clinical testing. Allele origin: germline.
Comment: This variant is located in the 3' untranslated region of the MEN1 gene. To our knowledge, functional studies have not been reported for this variant. This variant has not been reported in individuals affected with MEN1-related disorders in the literature. This variant has been identified in 1/1461876 chromosomes in the general population by the Genome Aggregation Database (gnomAD). The available evidence is insufficient to determine the role of this variant in disease conclusively. Therefore, this variant is classified as a Variant of Uncertain Significance.